The following is an entry in ClinVar:

NM_001378778.1(MPDZ):c.5059A>G (p.Lys1687Glu)

Gene: MPDZ (multiple PDZ domain crumbs cell polarity complex component; minus strand). Cytogenetic location: 9p23.
Variant type: single nucleotide variant.
Coding change: c.5059A>G on transcript NM_001378778.1 (MANE Select); coding-DNA position 5059, A replaced by G.
Protein change: p.Lys1687Glu; replaces lysine 1687 with glutamic acid.
Molecular consequence: missense variant.
Genome position (GRCh38, 1-based): chr9:13,121,911, T>C on the plus strand (A>G on the coding strand, the complement: MPDZ is on the minus strand). VCF-style: chr9-13121911-T-C. GRCh37 (hg19) VCF-style: chr9-13121910-T-C.
Other names: c.4960A>G, p.Lys1654Glu (NM_001261406.2, NM_001261407.2, NM_001375416.1 and 3 more transcripts); c.5059A>G, p.Lys1687Glu (NM_001330637.2, NM_003829.5); c.5158A>G, p.Lys1720Glu (NM_001375413.1); c.4849A>G, p.Lys1617Glu (NM_001375420.1, NM_001375421.1, NM_001375422.1 and 4 more transcripts); c.4651A>G, p.Lys1551Glu (NM_001375427.1); short protein forms K1551E, K1654E, K1720E, K1617E, K1687E.
Identifiers: ClinVar variation 1484142 (VCV001484142.6), dbSNP rs758658133, ClinGen allele CA4986443.

ClinVar aggregate classification (germline): Uncertain significance (1 of 4 stars; one submission).

Allele frequency attached by ClinVar (database versions not stated): TOPMed below 0.00001; ExAC 0.00001; gnomAD exomes 0.00001.
gnomAD v4.1: 13 of 1,613,600 alleles (0.00081%); highest among the groups gnomAD compares: Middle Eastern, 0.066%; no homozygotes.

Submission:

Labcorp Genetics (formerly Invitae), Labcorp
Classification: Uncertain significance. Last evaluated: 2022-08-16. Review status: criteria provided, single submitter. Criteria: Invitae Variant Classification Sherloc (09022015). Collection method: clinical testing. Allele origin: germline.
Comment: This sequence change replaces lysine, which is basic and polar, with glutamic acid, which is acidic and polar, at codon 1687 of the MPDZ protein (p.Lys1687Glu). This variant is present in population databases (rs758658133, gnomAD no frequency). This variant has not been reported in the literature in individuals affected with MPDZ-related conditions. ClinVar contains an entry for this variant (Variation ID: 1484142). Algorithms developed to predict the effect of missense changes on protein structure and function are either unavailable or do not agree on the potential impact of this missense change (SIFT: "Deleterious"; PolyPhen-2: "Benign"; Align-GVGD: "Class C0"). In summary, the available evidence is currently insufficient to determine the role of this variant in disease. Therefore, it has been classified as a Variant of Uncertain Significance.